The following is an entry in ClinVar:

NM_002863.5(PYGL):c.2447G>A (p.Arg816Gln)

Gene: PYGL (glycogen phosphorylase L; minus strand). Cytogenetic location: 14q22.1.
Variant type: single nucleotide variant.
Coding change: c.2447G>A on transcript NM_002863.5 (MANE Select); coding-DNA position 2447, G replaced by A.
Protein change: p.Arg816Gln; replaces arginine 816 with glutamine.
Molecular consequence: missense variant.
Genome position (GRCh38, 1-based): chr14:50,905,489, C>T on the plus strand (G>A on the coding strand, the complement: PYGL is on the minus strand). VCF-style: chr14-50905489-C-T. GRCh37 (hg19) VCF-style: chr14-51372207-C-T.
Other names: c.2345G>A, p.Arg782Gln (NM_001163940.2); short protein forms R816Q, R782Q.
Identifiers: ClinVar variation 2201561 (VCV002201561.4), dbSNP rs547527610, ClinGen allele CA7183097.

ClinVar aggregate classification (germline): Uncertain significance (1 of 4 stars; one submission).

Conditions:
Glycogen storage disease, type VI (GSD6). Also called: Glycogen storage disease type 6, due to phosphorylation; GSD VI; Glycogen storage disease type 6; Hepatic glycogen phosphorylase deficiency; HERS DISEASE; PHOSPHORYLASE DEFICIENCY GLYCOGEN-STORAGE DISEASE OF LIVER. Identifiers: Orphanet 369, MedGen C0017925, MONDO:0009294, OMIM 232700.

Allele frequency attached by ClinVar (database versions not stated): gnomAD 0.00001; ExAC 0.00003; 1000 Genomes Project 30x 0.00031; 1000 Genomes Project 0.00040.
gnomAD v4.1: 44 of 1,613,896 alleles (0.0027%); highest among the groups gnomAD compares: South Asian, 0.016%; no homozygotes.

Submission:

Labcorp Genetics (formerly Invitae), Labcorp
Classification: Uncertain significance for Glycogen storage disease, type VI. Last evaluated: 2022-03-27. Review status: criteria provided, single submitter. Criteria: Invitae Variant Classification Sherloc (09022015). Collection method: clinical testing. Allele origin: germline.
Comment: In summary, the available evidence is currently insufficient to determine the role of this variant in disease. Therefore, it has been classified as a Variant of Uncertain Significance. Algorithms developed to predict the effect of missense changes on protein structure and function (SIFT, PolyPhen-2, Align-GVGD) all suggest that this variant is likely to be disruptive. This variant has not been reported in the literature in individuals affected with PYGL-related conditions. This variant is present in population databases (rs547527610, gnomAD 0.03%). This sequence change replaces arginine, which is basic and polar, with glutamine, which is neutral and polar, at codon 816 of the PYGL protein (p.Arg816Gln).